The following is an entry in ClinVar:

NM_000235.4(LIPA):c.525A>C (p.Gln175His)

Gene: LIPA (lipase A, lysosomal acid type; minus strand). Cytogenetic location: 10q23.31.
Variant type: single nucleotide variant.
Coding change: c.525A>C on transcript NM_000235.4 (MANE Select); coding-DNA position 525, A replaced by C.
Protein change: p.Gln175His; replaces glutamine 175 with histidine.
Molecular consequence: missense variant.
Genome position (GRCh38, 1-based): chr10:89,226,908, T>G on the plus strand (A>C on the coding strand, the complement: LIPA is on the minus strand). VCF-style: chr10-89226908-T-G. GRCh37 (hg19) VCF-style: chr10-90986665-T-G.
Other names: c.525A>C, p.Gln175His (NM_001440821.1, NM_001440822.1, NM_001440823.1 and 16 more transcripts); c.177A>C, p.Gln59His (NM_001288979.2); c.657A>C, p.Gln219His (NM_001440836.1); c.546A>C, p.Gln182His (NM_001440837.1); c.540A>C, p.Gln180His (NM_001440838.1); c.357A>C, p.Gln119His (NM_001440839.1); short protein forms Q119H, Q180H, Q59H, Q175H, Q182H, Q219H.
Identifiers: ClinVar variation 4098202 (VCV004098202.1).

ClinVar aggregate classification (germline): Uncertain significance (1 of 4 stars; one submission).

Conditions:
Cardiovascular phenotype. Identifiers: MedGen CN230736.

Submission:

Ambry Genetics
Classification: Uncertain significance for Cardiovascular phenotype. Last evaluated: 2025-07-09. Review status: criteria provided, single submitter. Criteria: Ambry Variant Classification Scheme 2023. Collection method: clinical testing. Allele origin: germline.
Comment: The p.Q175H variant (also known as c.525A>C), located in coding exon 4 of the LIPA gene, results from an A to C substitution at nucleotide position 525. The glutamine at codon 175 is replaced by histidine, an amino acid with highly similar properties. This amino acid position is highly conserved in available vertebrate species. In addition, this alteration is predicted to be deleterious by in silico analysis. Based on the available evidence, the clinical significance of this variant remains unclear.